The following is an entry in ClinVar:

ClinVar aggregate classification (germline): Uncertain significance (1 of 4 stars; one submission).

Allele frequency attached by ClinVar (database versions not stated): gnomAD exomes below 0.00001; TOPMed 0.00001.
gnomAD v4.1: 5 of 1,610,656 alleles (0.00031%); highest among the groups gnomAD compares: East Asian, 0.0089%; no homozygotes.

Submission:

Labcorp Genetics (formerly Invitae), Labcorp
Classification: Uncertain significance. Last evaluated: 2022-06-27. Review status: criteria provided, single submitter. Criteria: Invitae Variant Classification Sherloc (09022015). Collection method: clinical testing. Allele origin: germline.
Comment: In summary, the available evidence is currently insufficient to determine the role of this variant in disease. Therefore, it has been classified as a Variant of Uncertain Significance. Algorithms developed to predict the effect of missense changes on protein structure and function are either unavailable or do not agree on the potential impact of this missense change (SIFT: "Deleterious"; PolyPhen-2: "Benign"; Align-GVGD: "Class C0"). This variant has not been reported in the literature in individuals affected with DSCAML1-related conditions. This variant is present in population databases (no rsID available, gnomAD 0.006%). This sequence change replaces threonine, which is neutral and polar, with alanine, which is neutral and non-polar, at codon 1041 of the DSCAML1 protein (p.Thr1041Ala).

NM_020693.4(DSCAML1):c.2941A>G (p.Thr981Ala)

Gene: DSCAML1 (DS cell adhesion molecule like 1; minus strand). Cytogenetic location: 11q23.3.
Variant type: single nucleotide variant.
Coding change: c.2941A>G on transcript NM_020693.4 (MANE Select); coding-DNA position 2941, A replaced by G.
Protein change: p.Thr981Ala; replaces threonine 981 with alanine.
Molecular consequence: missense variant.
Genome position (GRCh38, 1-based): chr11:117,471,881, T>C on the plus strand (A>G on the coding strand, the complement: DSCAML1 is on the minus strand). VCF-style: chr11-117471881-T-C. GRCh37 (hg19) VCF-style: chr11-117342596-T-C.
Other names: short protein forms T981A.
Identifiers: ClinVar variation 2168957 (VCV002168957.4), dbSNP rs1489840562, ClinGen allele CA382742814.